The following is an entry in ClinVar:

ClinVar aggregate classification (germline): Uncertain significance (1 of 4 stars; one submission).

gnomAD v4.1: 1 of 1,614,146 alleles (0.000062%); highest among the groups gnomAD compares: Admixed American, 0.0017%; no homozygotes.

Submission:

GeneDx
Classification: Uncertain significance. Last evaluated: 2024-05-12. Review status: criteria provided, single submitter. Criteria: GeneDx Variant Classification Process June 2021. Collection method: clinical testing. Allele origin: germline. Affected: yes.
Comment: Not observed at significant frequency in large population cohorts (gnomAD); In silico analysis supports that this missense variant has a deleterious effect on protein structure/function; Has not been previously published as pathogenic or benign to our knowledge

NM_000784.4(CYP27A1):c.1286A>T (p.Tyr429Phe)

Gene: CYP27A1 (cytochrome P450 family 27 subfamily A member 1; plus strand). Cytogenetic location: 2q35.
Variant type: single nucleotide variant.
Coding change: c.1286A>T on transcript NM_000784.4 (MANE Select); coding-DNA position 1286, A replaced by T.
Protein change: p.Tyr429Phe; replaces tyrosine 429 with phenylalanine.
Molecular consequence: missense variant.
Genome position (GRCh38, 1-based): chr2:218,814,567, A>T. VCF-style: chr2-218814567-A-T. GRCh37 (hg19) VCF-style: chr2-219679290-A-T.
Other names: short protein forms Y429F.
Identifiers: ClinVar variation 3378173 (VCV003378173.1).
Genomic context (GRCh38, chr2:218,814,567, plus strand): 5'-GAAGAGAGGCATTCATGCTGCCCAATCTTCCTTTATAGACCCAGTTTGTGTTCTGCCACT[A>T]TGTGGTGTCCCGGGACCCCACTGCCTTCTCTGAGCCTGAAAGCTTCCAGCCCCACCGCTG-3'
Protein context (NP_000775.1, residues 419-439): PKNTQFVFCH[Tyr429Phe]VVSRDPTAFS